The following is an entry in ClinVar:

ClinVar aggregate classification (germline): Benign/Likely benign. Review status: criteria provided, multiple submitters, no conflicts (2 of 4 stars). 6 submissions from 6 submitters: Benign (1); Likely benign (5). Last evaluated 2026-02-03.

Conditions:
Catecholaminergic polymorphic ventricular tachycardia (CVPT). Also called: Catecholamine-induced polymorphic ventricular tachycardia. Identifiers: Orphanet 3286, MedGen C5574922, MONDO:0017990.
Cardiovascular phenotype. Identifiers: MedGen CN230736.
Cardiomyopathy (CMYO). Also called: Cardiomyopathies. Identifiers: Orphanet 167848, MedGen C0878544, MONDO:0004994, HP:0001638. Inheritance: Various modes of inheritance.
Catecholaminergic polymorphic ventricular tachycardia 1. Also called: VENTRICULAR TACHYCARDIA, CATECHOLAMINERGIC POLYMORPHIC, 1, WITH OR WITHOUT ATRIAL DYSFUNCTION AND/OR DILATED CARDIOMYOPATHY; RYR2-Related Catecholaminergic Polymorphic Ventricular Tachycardia; VENTRICULAR TACHYCARDIA, STRESS-INDUCED POLYMORPHIC 1. Identifiers: Orphanet 3286, MedGen C1631597, MONDO:0011484, OMIM 604772.

Allele frequency attached by ClinVar (database versions not stated): gnomAD exomes below 0.00001; ExAC 0.00001; gnomAD 0.00005 and 0.00006; TOPMed 0.00008.
gnomAD v4.1: 12 of 1,592,170 alleles (0.00075%); highest among the groups gnomAD compares: African/African-American, 0.015%; no homozygotes.

Submissions (6):

Labcorp Genetics (formerly Invitae), Labcorp
Classification: Likely benign for Catecholaminergic polymorphic ventricular tachycardia 1. Last evaluated: 2026-02-03. Review status: criteria provided, single submitter. Criteria: Invitae Variant Classification Sherloc (09022015). Collection method: clinical testing. Allele origin: germline.

Women's Health and Genetics/Laboratory Corporation of America, LabCorp
Classification: Benign. Last evaluated: 2024-10-10. Review status: criteria provided, single submitter. Criteria: LabCorp Variant Classification Summary - May 2015. Collection method: clinical testing. Allele origin: germline.
Comment: Variant summary: RYR2 c.14658C>G (p.Thr4886Thr) alters a conserved nucleotide located close to a canonical splice site and therefore could affect mRNA splicing, leading to a significantly altered protein sequence. Consensus agreement among computation tools predict no significant impact on normal splicing. However, these predictions have yet to be confirmed by functional studies. The variant allele was found at a frequency of 7.5e-06 in 1592170 control chromosomes, predominantly at a frequency of 0.00015 within the African or African-American subpopulation in the gnomAD v4 database. The observed variant frequency within African or African-American control individuals in the gnomAD database is approximately 4 fold of the estimated maximal expected allele frequency for a pathogenic variant in RYR2 causing Catecholaminergic Polymorphic Ventricular Tachycardia phenotype (3.4e-05). To our knowledge, no occurrence of c.14658C>G in individuals affected with Catecholaminergic Polymorphic Ventricular Tachycardia and no experimental evidence demonstrating its impact on protein function have been reported. ClinVar contains an entry for this variant (Variation ID: 680316). Based on the evidence outlined above, the variant was classified as benign.

All of Us Research Program, National Institutes of Health
Classification: Likely benign for Catecholaminergic polymorphic ventricular tachycardia. Last evaluated: 2023-12-13. Review status: criteria provided, single submitter. Criteria: ACMG Guidelines, 2015. Collection method: clinical testing. Allele origin: germline. Inheritance: Autosomal dominant inheritance. Observed: 2 variant alleles, 2 heterozygotes.
Comment: This study involves interpretation of variants in research participants for the purpose of population health screening. Participant phenotype was not available at the time of variant classification. Additional details can be found in publication PMID: 35346344, PMCID: PMC8962531

Ambry Genetics
Classification: Likely benign for Cardiovascular phenotype. Last evaluated: 2020-05-29. Review status: criteria provided, single submitter. Criteria: Ambry Variant Classification Scheme 2023. Collection method: clinical testing. Allele origin: germline.

Color Diagnostics, LLC DBA Color Health
Classification: Likely benign for Cardiomyopathy. Last evaluated: 2020-01-15. Review status: criteria provided, single submitter. Criteria: ACMG Guidelines, 2015. Collection method: clinical testing. Allele origin: germline.

GeneDx
Classification: Likely benign. Last evaluated: 2019-06-03. Review status: criteria provided, single submitter. Criteria: GeneDx Variant Classification Process June 2021. Collection method: clinical testing. Allele origin: germline. Affected: yes.

NM_001035.3(RYR2):c.14658C>G (p.Thr4886=)

Gene: RYR2 (ryanodine receptor 2; plus strand). Cytogenetic location: 1q43.
Variant type: single nucleotide variant.
Coding change: c.14658C>G on transcript NM_001035.3 (MANE Select); coding-DNA position 14658, C replaced by G.
Protein change: p.Thr4886=; no amino-acid change (threonine 4886 retained).
Molecular consequence: synonymous variant.
Genome position (GRCh38, 1-based): chr1:237,830,532, C>G. VCF-style: chr1-237830532-C-G. GRCh37 (hg19) VCF-style: chr1-237993832-C-G.
Identifiers: ClinVar variation 680316 (VCV000680316.18), dbSNP rs771308728, ClinGen allele CA085708.